The following is an entry in ClinVar:

NM_002474.3(MYH11):c.3858+2T>C

Gene: MYH11 (myosin heavy chain 11; minus strand). Cytogenetic location: 16p13.11.
Variant type: single nucleotide variant.
Coding change: c.3858+2T>C on transcript NM_002474.3 (MANE Select); the canonical splice donor site of the intron after coding-DNA position 3858, T replaced by C.
Molecular consequence: splice donor variant.
Genome position (GRCh38, 1-based): chr16:15,726,846, A>G on the plus strand (T>C on the coding strand, the complement: MYH11 is on the minus strand). VCF-style: chr16-15726846-A-G. GRCh37 (hg19) VCF-style: chr16-15820703-A-G.
Other names: c.3858+2T>C (NM_022844.3); c.3879+2T>C (NM_001040114.2, NM_001040113.2).
Identifiers: ClinVar variation 4974536 (VCV004974536.1).
Genomic context (GRCh38, chr16:15,726,846, plus strand): 5'-CCTCCCCACAGAACTGGGCACCACCCAGCACTGCCCACCACACCACCGCGCCACCTCCTC[A>G]CCTGCAGCTTGTGGACTTTGTCATTGAGCTCCGCCCGGGCCCGCTCCCCATCGCTGCACT-3'

ClinVar aggregate classification (germline): Likely pathogenic (1 of 4 stars; one submission).

Conditions:
Aortic aneurysm, familial thoracic 4 (AAT4). Also called: AORTIC ANEURYSM/AORTIC DISSECTION AND PATENT DUCTUS ARTERIOSUS. Identifiers: MedGen C1851504, MONDO:0007568, OMIM 132900.

Submission:

Department of Human Genetics, University Hospital Bern, Inselspital
Classification: Likely pathogenic for Aortic aneurysm, familial thoracic 4. Last evaluated: 2026-05-22. Review status: criteria provided, single submitter. Criteria: ACMG Guidelines, 2015. Collection method: clinical testing. Allele origin: germline. Affected: yes. Observed: 1 variant allele.
Comment: This variants affects the conserved splice donor site of exon 28, most likely leading to exon skipping (inframe) and a shortened protein. The variant is not present in gnomAD v4.1 and has, to our knowledge, not been associated with a genetic disorder before. Other variants affecting this splice donor site have been reported in the literature in patients with familial thoracic aortic aneurism/aortic dissection.